The following is an entry in ClinVar:

ClinVar aggregate classification (germline): Uncertain significance (1 of 4 stars; one submission).

Allele frequency attached by ClinVar (database versions not stated): ExAC 0.00001; gnomAD 0.00001; gnomAD exomes 0.00001.
gnomAD v4.1: 4 of 1,613,884 alleles (0.00025%); highest among the groups gnomAD compares: Admixed American, 0.0017%; no homozygotes.

Submission:

Labcorp Genetics (formerly Invitae), Labcorp
Classification: Uncertain significance. Last evaluated: 2019-09-13. Review status: criteria provided, single submitter. Criteria: Invitae Variant Classification Sherloc (09022015). Collection method: clinical testing. Allele origin: germline.
Comment: Algorithms developed to predict the effect of missense changes on protein structure and function output the following: SIFT: "Tolerated"; PolyPhen-2: "Benign"; Align-GVGD: "Class C0". The glycine amino acid residue is found in multiple mammalian species, suggesting that this missense change does not adversely affect protein function. These predictions have not been confirmed by published functional studies and their clinical significance is uncertain. This sequence change replaces alanine with glycine at codon 616 of the TTLL5 protein (p.Ala616Gly). The alanine residue is weakly conserved and there is a small physicochemical difference between alanine and glycine. This variant is present in population databases (rs750134887, ExAC 0.009%). This variant has not been reported in the literature in individuals with TTLL5-related conditions. In summary, the available evidence is currently insufficient to determine the role of this variant in disease. Therefore, it has been classified as a Variant of Uncertain Significance.

NM_015072.5(TTLL5):c.1847C>G (p.Ala616Gly)

Gene: TTLL5 (tubulin tyrosine ligase like 5; plus strand). Cytogenetic location: 14q24.3.
Variant type: single nucleotide variant.
Coding change: c.1847C>G on transcript NM_015072.5 (MANE Select); coding-DNA position 1847, C replaced by G.
Protein change: p.Ala616Gly; replaces alanine 616 with glycine.
Molecular consequence: missense variant.
Genome position (GRCh38, 1-based): chr14:75,766,200, C>G. VCF-style: chr14-75766200-C-G. GRCh37 (hg19) VCF-style: chr14-76232543-C-G.
Other names: short protein forms A616G.
Identifiers: ClinVar variation 939787 (VCV000939787.9), dbSNP rs750134887, ClinGen allele CA7279543.